The following is an entry in ClinVar:

NM_002529.4(NTRK1):c.1552del (p.Glu518fs)

Gene: NTRK1 (neurotrophic receptor tyrosine kinase 1; plus strand). Cytogenetic location: 1q23.1.
Variant type: Deletion.
Coding change: c.1552del on transcript NM_002529.4 (MANE Select); coding-DNA position 1552, one base deleted (G; older notation c.1552delG).
Protein change: p.Glu518fs; shifts the reading frame from glutamic acid 518.
Molecular consequence: frameshift variant.
Genome position (GRCh38, 1-based): chr1:156,876,130, G deleted; the last of 5 consecutive G bases (chr1:156,876,126-156,876,130); deleting any one gives the same sequence. VCF-style (leftmost placement, unchanged base first): chr1-156876125-TG-T. GRCh37 (hg19) VCF-style: chr1-156845917-TG-T.
Other names: c.1444del, p.Glu482fs (NM_001007792.1); c.1534del, p.Glu512fs (NM_001012331.2); short protein forms E482fs, E518fs, E512fs.
Identifiers: ClinVar variation 1455865 (VCV001455865.6), dbSNP rs869026199, ClinGen allele CA526500399.
Genomic context (GRCh38, chr1:156,876,125, plus strand): 5'-TGCAAGCCCCCTCAGGTGTTCACCACATCAAGCGCCGGGACATCGTGCTCAAGTGGGAGC[TG>T]GGGGAGGGCGCCTTTGGGAAGGTCTTCCTTGCTGAGTGCCACAACCTCCTGCCTGAGCAG-3'

ClinVar aggregate classification (germline): Pathogenic (1 of 4 stars; one submission).

Conditions:
Hereditary insensitivity to pain with anhidrosis (CIPA). Also called: NEUROPATHY, CONGENITAL SENSORY, WITH ANHIDROSIS; FAMILIAL DYSAUTONOMIA, TYPE II; hereditary sensory and autonomic neuropathy type 4; NTRK1 Congenital Insensitivity to Pain with Anhidrosis; INSENSITIVITY TO PAIN, CONGENITAL, WITH ANHIDROSIS; HSAN Type IV. Identifiers: Orphanet 642, MedGen C0020074, MONDO:0009746, OMIM 256800.

Submission:

Labcorp Genetics (formerly Invitae), Labcorp
Classification: Pathogenic for Hereditary insensitivity to pain with anhidrosis. Last evaluated: 2023-11-24. Review status: criteria provided, single submitter. Criteria: Invitae Variant Classification Sherloc (09022015). Collection method: clinical testing. Allele origin: germline.
Comment: This sequence change creates a premature translational stop signal (p.Glu512Argfs*29) in the NTRK1 gene. It is expected to result in an absent or disrupted protein product. Loss-of-function variants in NTRK1 are known to be pathogenic (PMID: 10982191). This variant is present in population databases (no rsID available, gnomAD 0.0009%). This variant has not been reported in the literature in individuals affected with NTRK1-related conditions. ClinVar contains an entry for this variant (Variation ID: 1455865). For these reasons, this variant has been classified as Pathogenic.

Literature cited by the submitters: PubMed 10982191.